The following is an entry in ClinVar:

NM_014208.3(DSPP):c.2226C>T (p.Asp742=)

Genes: DMP1-AS1 (DMP1 and DSPP antisense RNA 1; minus strand), DSPP (dentin sialophosphoprotein; plus strand). Cytogenetic location: 4q22.1.
Variant type: single nucleotide variant.
Coding change: c.2226C>T on transcript NM_014208.3 (MANE Select); coding-DNA position 2226, C replaced by T.
Protein change: p.Asp742=; no amino-acid change (aspartic acid 742 retained).
Molecular consequence: synonymous variant.
Genome position (GRCh38, 1-based): chr4:87,614,888, C>T. VCF-style: chr4-87614888-C-T. GRCh37 (hg19) VCF-style: chr4-88536040-C-T.
Identifiers: ClinVar variation 4281251 (VCV004281251.7).

ClinVar aggregate classification (germline): Likely benign (1 of 4 stars; one submission).

gnomAD v4.1: 6 of 1,548,512 alleles (0.00039%); highest among the groups gnomAD compares: African/African-American, 0.0014%; no homozygotes.

Submission:

CeGaT Center for Human Genetics Tuebingen
Classification: Likely benign. Last evaluated: 2025-09-01. Review status: criteria provided, single submitter. Criteria: CeGaT Center For Human Genetics Tuebingen Variant Classification Criteria Version 2. Collection method: clinical testing. Allele origin: germline. Affected: yes. Observed: 1 variant allele.
Comment: DSPP: BP4, BP7